The following is an entry in ClinVar:

NM_033409.4(SLC52A3):c.742del (p.Trp248fs)

Gene: SLC52A3 (solute carrier family 52 member 3; minus strand). Cytogenetic location: 20p13.
Variant type: Deletion.
Coding change: c.742del on transcript NM_033409.4 (MANE Select); coding-DNA position 742, one base deleted (T; older notation c.742delT).
Protein change: p.Trp248fs; shifts the reading frame from tryptophan 248.
Molecular consequence: frameshift variant.
Genome position (GRCh38, 1-based): chr20:763,829, A deleted on the plus strand (T on the coding strand, the reverse complement: SLC52A3 is on the minus strand). VCF-style (leftmost placement, unchanged base first): chr20-763828-CA-C. GRCh37 (hg19) VCF-style: chr20-744472-CA-C.
Other names: c.742del, p.Trp248fs (NM_001370085.1, NM_001370086.1); short protein forms W248fs.
Identifiers: ClinVar variation 1709238 (VCV001709238.2), dbSNP rs2514849071, ClinGen allele CA2580097969.

ClinVar aggregate classification (germline): Likely pathogenic (1 of 4 stars; one submission).

Conditions:
Brown-Vialetto-van Laere syndrome 1. Also called: BROWN-VIALETTO-VAN LAERE SYNDROME 1, MILD; BULBAR PALSY, PROGRESSIVE, WITH SENSORINEURAL DEAFNESS; PONTOBULBAR PALSY WITH DEAFNESS. Identifiers: Orphanet 572550, Orphanet 97229, MedGen C0796274, MONDO:0024537, OMIM 211530.

Submission:

MGZ Medical Genetics Center
Classification: Likely pathogenic for Brown-Vialetto-van Laere syndrome 1. Last evaluated: 2022-08-09. Review status: criteria provided, single submitter. Criteria: ACMG Guidelines, 2015. Collection method: clinical testing. Allele origin: germline. Affected: yes. Observed: 2 variant alleles.
Comment: ACMG criteria applied: PVS1, PM2_SUP